The following is an entry in ClinVar:

NM_052947.4(ALPK2):c.3983T>C (p.Leu1328Pro)

Genes: ALPK2 (alpha kinase 2; minus strand), LOC126862764 (BRD4-independent group 4 enhancer GRCh37_chr18:56202574-56203773; plus strand). Cytogenetic location: 18q21.31.
Variant type: single nucleotide variant.
Coding change: c.3983T>C on transcript NM_052947.4 (MANE Select); coding-DNA position 3983, T replaced by C.
Protein change: p.Leu1328Pro; replaces leucine 1328 with proline.
Molecular consequence: missense variant.
Genome position (GRCh38, 1-based): chr18:58,536,204, A>G on the plus strand (T>C on the coding strand, the complement: ALPK2 is on the minus strand). VCF-style: chr18-58536204-A-G. GRCh37 (hg19) VCF-style: chr18-56203436-A-G.
Other names: short protein forms L1328P.
Identifiers: ClinVar variation 1736717 (VCV001736717.2), dbSNP rs2518875634, ClinGen allele CA402564884.

ClinVar aggregate classification (germline): Uncertain significance (1 of 4 stars; one submission).

Submission:

Ambry Genetics
Classification: Uncertain significance. Last evaluated: 2021-11-16. Review status: criteria provided, single submitter. Criteria: Ambry Variant Classification Scheme 2023. Collection method: clinical testing. Allele origin: germline.
Comment: The p.L1328P variant (also known as c.3983T>C), located in coding exon 4 of the ALPK2 gene, results from a T to C substitution at nucleotide position 3983. The leucine at codon 1328 is replaced by proline, an amino acid with similar properties. This amino acid position is conserved. In addition, this alteration is predicted to be tolerated by in silico analysis. Since supporting evidence is limited at this time, the clinical significance of this alteration remains unclear.